The following is an entry in ClinVar:

ClinVar aggregate classification (germline): Uncertain significance (1 of 4 stars; one submission).

Conditions:
Emery-Dreifuss muscular dystrophy (EDMD). Also called: Scapuloperoneal syndrome, X-linked (formerly); Humeroperoneal neuromuscular disease, (formerly). Identifiers: Orphanet 261, MedGen C0410189, MONDO:0016830.

Allele frequency attached by ClinVar (database versions not stated): gnomAD exomes below 0.00001.
gnomAD v4.1: 6 of 1,604,442 alleles (0.00037%); highest among the groups gnomAD compares: Non-Finnish European, 0.00051%; no homozygotes.

Submission:

Labcorp Genetics (formerly Invitae), Labcorp
Classification: Uncertain significance for Emery-Dreifuss muscular dystrophy. Last evaluated: 2020-02-03. Review status: criteria provided, single submitter. Criteria: Invitae Variant Classification Sherloc (09022015). Collection method: clinical testing. Allele origin: germline.
Comment: In summary, the available evidence is currently insufficient to determine the role of this variant in disease. Therefore, it has been classified as a Variant of Uncertain Significance. Algorithms developed to predict the effect of missense changes on protein structure and function output the following: SIFT: "Deleterious"; PolyPhen-2: "Benign"; Align-GVGD: "Class C25". The arginine amino acid residue is found in multiple mammalian species, suggesting that this missense change does not adversely affect protein function. These predictions have not been confirmed by published functional studies and their clinical significance is uncertain. This variant has not been reported in the literature in individuals with SUN1-related conditions. This variant is not present in population databases (ExAC no frequency). This sequence change replaces leucine with arginine at codon 224 of the SUN1 protein (p.Leu224Arg). The leucine residue is moderately conserved and there is a moderate physicochemical difference between leucine and arginine.

NM_001130965.3(SUN1):c.671T>G (p.Leu224Arg)

Gene: SUN1 (Sad1 and UNC84 domain containing 1; plus strand). Cytogenetic location: 7p22.3.
Variant type: single nucleotide variant.
Coding change: c.671T>G on transcript NM_001130965.3 (MANE Select); coding-DNA position 671, T replaced by G.
Protein change: p.Leu224Arg; replaces leucine 224 with arginine.
Molecular consequence: missense variant. On other transcripts: intron variant (12), non-coding transcript variant (3), synonymous variant (1).
Genome position (GRCh38, 1-based): chr7:851,396, T>G. VCF-style: chr7-851396-T-G. GRCh37 (hg19) VCF-style: chr7-891033-T-G.
Other names: c.632T>G, p.Leu211Arg (NM_001367679.1, NM_001367689.1, NM_001367645.1 and 1 more transcripts); c.605T>G, p.Leu202Arg (NM_001367680.1, NM_001367701.1, NM_001367644.1); c.719T>G, p.Leu240Arg (NM_001367681.1); c.953T>G, p.Leu318Arg (NM_001367682.1, NM_001367641.1, NM_001367698.1); c.755T>G, p.Leu252Arg (NM_001367683.1, NM_001367688.1); c.830T>G, p.Leu277Arg (NM_001367684.1); c.782T>G, p.Leu261Arg (NM_001367685.1, NM_001367638.1, NM_001367664.1 and 1 more transcripts); c.1064T>G, p.Leu355Arg (NM_001367687.1, NM_001367703.1, NM_001367705.1 and 2 more transcripts); and 24 more; short protein forms C109G, L174R, L198R, L202R, L211R, L224R, L233R, L239R.
Identifiers: ClinVar variation 1057705 (VCV001057705.9), dbSNP rs2128381511, ClinGen allele CA366528708.